The following is an entry in ClinVar:

NM_001114753.3(ENG):c.-127C>T

Gene: ENG (endoglin; minus strand). Cytogenetic location: 9q34.11.
Variant type: single nucleotide variant.
Coding change: c.-127C>T on transcript NM_001114753.3 (MANE Select); 127 bases upstream of the start codon, C replaced by T.
Molecular consequence: 5 prime UTR variant.
Genome position (GRCh38, 1-based): chr9:127,854,482, G>A on the plus strand (C>T on the coding strand, the complement: ENG is on the minus strand). VCF-style: chr9-127854482-G-A. GRCh37 (hg19) VCF-style: chr9-130616761-G-A.
Other names: c.-127C>T (NM_000118.4, NM_001406715.1).
Identifiers: ClinVar variation 407113 (VCV000407113.43), dbSNP rs1060501408, ClinGen allele CA16612603.

ClinVar aggregate classification (germline): Pathogenic/Likely pathogenic. Review status: criteria provided, multiple submitters, no conflicts (2 of 4 stars). 15 submissions from 15 submitters: Pathogenic (13); Likely pathogenic (1). 1 of the submissions does not count toward it. Last evaluated 2026-03-05.

Conditions:
Cardiovascular phenotype. Identifiers: MedGen CN230736.
Telangiectasia, hereditary hemorrhagic, type 1 (HHT1). Also called: Osler Weber Rendu syndrome type 1; ENG-Related Hereditary Hemorrhagic Telangiectasia. Identifiers: Orphanet 774, MedGen C4551861, MONDO:0008535, OMIM 187300. Disease mechanism: loss of function.
Hereditary hemorrhagic telangiectasia (HHT). Also called: ORW DISEASE; Osler Weber Rendu syndrome; OSLER-RENDU-WEBER DISEASE; Osler hemorrhagic telangiectasia syndrome. Identifiers: Orphanet 774, MedGen C0039445, MONDO:0019180. Disease mechanism: loss of function.
ENG-related disorder. Also called: ENG-related condition; ENG-related disorders.

Submissions (15):

Broad Center for Mendelian Genomics, Broad Institute of MIT and Harvard
Classification: Pathogenic for Telangiectasia, hereditary hemorrhagic, type 1. Last evaluated: 2026-03-05. Review status: criteria provided, single submitter. Criteria: ACMG Guidelines, 2015. Collection method: research. Allele origin: germline. Inheritance: Autosomal dominant inheritance. Study: GREGoR Consortium.
Comment: The c.-127C>T variant in ENG has been reported in at least 5 unrelated individuals with hereditary hemorrhagic telangiectasia (HHT) and segregated with disease in 10 affected individuals from 3 families (Kim 2011 PMID: 21967607, Damjanovich 2011 PMID: 22192717). It was absent from large population studies. This variant has also been reported in ClinVar (Variation ID 407113). In vitro functional studies support an impact on gene expression (Kim 2011 PMID: 21967607, Damjanovich 2011 PMID: 22192717). Heterozygous loss of ENG function is an established disease mechanism in individuals with HHT. In summary, this variant meets criteria to be classified as pathogenic for autosomal dominant HHT. ACMG/AMP Criteria applied: PPl_strong, PS4, PS3_moderate, PM2_supporting.

Labcorp Genetics (formerly Invitae), Labcorp
Classification: Pathogenic for Hereditary hemorrhagic telangiectasia. Last evaluated: 2025-12-17. Review status: criteria provided, single submitter. Criteria: Invitae Variant Classification Sherloc (09022015). Collection method: clinical testing. Allele origin: germline.
Comment: This variant occurs in a non-coding region of the ENG gene. It does not change the encoded amino acid sequence of the ENG protein. This variant is not present in population databases (gnomAD no frequency). This variant has been observed in individuals with hereditary hemorrhagic telangiectasia (PMID: 21967607, 22192717, 28989145). It has also been observed to segregate with disease in related individuals. ClinVar contains an entry for this variant (Variation ID: 407113). Studies have shown that this variant alters ENG gene expression (PMID: 21967607, 22192717). For these reasons, this variant has been classified as Pathogenic.

Ambry Genetics
Classification: Pathogenic for Cardiovascular phenotype. Last evaluated: 2025-10-23. Review status: criteria provided, single submitter. Criteria: Ambry Variant Classification Scheme 2023. Collection method: clinical testing. Allele origin: germline.
Comment: The c.-127C>T pathogenic mutation is located in the 5' untranslated region (5&rsquo; UTR) of the ENG gene. This variant results from a C to T substitution 127 nucleotides upstream from the first translated codon. This variant was identified in one or more individuals with features consistent with ENG-related hereditary hemorrhagic telangiectasia and segregated with disease in at least one family (Damjanovich K et al. Orphanet J Rare Dis, 2011 Dec;6:85; Kim MJ et al. BMC Med. Genet., 2011 Oct;12:130). In an assay testing ENG function, this variant showed a functionally abnormal result (Damjanovich K et al. Orphanet J Rare Dis, 2011 Dec;6:85). This variant is considered to be rare based on population cohorts in the Genome Aggregation Database (gnomAD). Based on the supporting evidence, this alteration is interpreted as a disease-causing mutation.

Mayo Clinic Laboratories, Mayo Clinic
Classification: Pathogenic. Last evaluated: 2025-06-13. Review status: criteria provided, single submitter. Criteria: ACMG Guidelines, 2015. Collection method: clinical testing. Allele origin: germline. Observed: 5 variant alleles.
Comment: PP1_strong, PM2_supporting, PS3, PS4_moderate

ARUP Laboratories, Molecular Genetics and Genomics, ARUP Laboratories
Classification: Pathogenic for Telangiectasia, hereditary hemorrhagic, type 1. Last evaluated: 2025-05-29. Review status: criteria provided, single submitter. Criteria: ARUP Molecular Germline Variant Investigation Process 2024. Collection method: clinical testing. Allele origin: germline.
Comment: The ENG c.-127C>T variant (rs1060501408) is reported to segregate with disease in families affected with HHT (Damjanovich 2011, Kim 2011). This variant is also reported in ClinVar (Variation ID: 407113). It is absent from the Genome Aggregation Database, indicating it is not a common polymorphism. In vitro functional analyses of this variant demonstrate generation of an aberrant translational start codon and decreased endoglin expression (Damjanovich 2011, Kim 2011). Based on available information, this variant is considered to be pathogenic. References: Damjanovich K et al. 5'UTR mutations of ENG cause hereditary hemorrhagic telangiectasia. Orphanet J Rare Dis. 2011 Dec 22;6:85. PMID: 22192717. Kim MJ et al. Clinical and genetic analyses of three Korean families with hereditary hemorrhagic telangiectasia. BMC Med Genet. 2011 Oct 3;12:130. PMID: 21967607.

Dasa
Classification: Pathogenic. Last evaluated: 2025-03-05. Review status: criteria provided, single submitter. Criteria: DASA Assertion Criteria. Collection method: clinical testing. Allele origin: germline.
Comment: NM_001114753.3(ENG):c.-127C>T affects a canonical splice site and is predicted to disrupt normal RNA splicing, leading to loss of normal protein function. Loss-of-function is an established mechanism of disease for this gene. Segregation evidence has been reported in affected families. Functional evidence supports a deleterious effect on the gene or gene product (PMID: 21967607; PMID: 22192717; PMID: 28989145; PMID: 34872578). This variant has been recurrently observed in individuals with related phenotype (PMID: 21967607; PMID: 22192717; PMID: 28989145; PMID: 34872578). The variant is present at low frequency in population datasets. Based on the available data, this variant is classified as pathogenic.

GeneDx
Classification: Pathogenic. Last evaluated: 2025-02-18. Review status: criteria provided, single submitter. Criteria: GeneDx Variant Classification Process June 2021. Collection method: clinical testing. Allele origin: germline. Affected: yes.
Comment: No data available from control populations to assess the frequency of this variant; Published functional studies demonstrate that this variant leads to decreased levels of protein expression and creates a new translation start site that leads to nonsense-mediated mRNA decay (PMID: 21967607, 22192717); This variant is associated with the following publications: (PMID: 22192717, 28989145, 21967607, 36651276, 32573726, 32300199, 35387445, 34872578)

Institute of Human Genetics Munich, TUM University Hospital
Classification: Pathogenic for Telangiectasia, hereditary hemorrhagic, type 1. Last evaluated: 2024-04-25. Review status: criteria provided, single submitter. Criteria: Classification criteria August 2017. Collection method: clinical testing. Allele origin: germline. Inheritance: Autosomal dominant inheritance. Affected: yes. Observed: 1 variant allele.

Laboratory for Molecular Medicine, Mass General Brigham Personalized Medicine
Classification: Pathogenic for Hereditary hemorrhagic telangiectasia. Last evaluated: 2024-03-08. Review status: criteria provided, single submitter. Criteria: ACMG Guidelines, 2015. Collection method: clinical testing. Allele origin: germline. Inheritance: Autosomal dominant inheritance.
Comment: The c.-127C>T variant in ENG has been reported in at least 5 unrelated individuals with hereditary hemorrhagic telangiectasia (HHT) and segregated with disease in 10 affected individuals from 3 families (Kim 2011 PMID: 21967607, Damjanovich 2011 PMID: 22192717). It was absent from large population studies. This variant has also been reported in ClinVar (Variation ID 407113). In vitro functional studies support an impact on gene expression (Kim 2011 PMID: 21967607, Damjanovich 2011 PMID: 22192717). Heterozygous loss of ENG function is an established disease mechanism in individuals with HHT. In summary, this variant meets criteria to be classified as pathogenic for autosomal dominant HHT. ACMG/AMP Criteria applied: PP1_strong, PS4, PS3_moderate, PM2_supporting.

3billion
Classification: Pathogenic for Telangiectasia, hereditary hemorrhagic, type 1. Last evaluated: 2023-09-24. Review status: criteria provided, single submitter. Criteria: ACMG Guidelines, 2015. Collection method: clinical testing. Allele origin: germline. Affected: yes.
Comment: The variant is not observed in the gnomAD v2.1.1 dataset. Predicted Consequence/Location: 5' UTR variant Functional studies provide strong evidence of the variant having a damaging effect on the gene or gene product (PMID: 21967607). The variant has been reported to co-segregate with the disease in at least 5 similarly affected relatives/individuals in the same family or similarly affected unrelated families (PMID: 21967607). The variant has been reported at least twice as pathogenic with clinical assertions and evidence for the classification (ClinVar ID: VCV000407113 /PMID: 21967607). Therefore, this variant is classified as Pathogenic according to the recommendation of ACMG/AMP guideline.

Blueprint Genetics
Classification: Pathogenic for ENG-related disorders. Last evaluated: 2023-08-31. Review status: criteria provided, single submitter. Criteria: ACMG Guidelines, 2015. Collection method: clinical testing. Allele origin: germline. Affected: yes. Observed: 2 variant alleles.

Clinical Genetics Laboratory, Skane University Hospital Lund
Classification: Pathogenic. Last evaluated: 2022-07-13. Review status: criteria provided, single submitter. Criteria: ACMG Guidelines, 2015. Collection method: clinical testing. Allele origin: germline. Affected: yes.

Genetics and Molecular Pathology, SA Pathology
Classification: Pathogenic for Hereditary hemorrhagic telangiectasia. Last evaluated: 2021-11-25. Review status: criteria provided, single submitter. Criteria: ACMG Guidelines, 2015. Collection method: clinical testing. Allele origin: germline. Inheritance: Autosomal dominant inheritance. Affected: yes.

NIHR Bioresource Rare Diseases, University of Cambridge
Classification: Likely pathogenic for Telangiectasia, hereditary hemorrhagic, type 1. Last evaluated: 2018-01-01. Review status: criteria provided, single submitter. Criteria: ACMG Guidelines, 2015. Collection method: research. Allele origin: unknown. Affected: yes. Observed: 2 variant alleles.
Comment: PM2+PP4+PP5

Diagnostics Centre, Carl Von Ossietzky University Oldenburg
Classification: Pathogenic for Telangiectasia, hereditary hemorrhagic, type 1. Last evaluated: 2025-06-13. Review status: no assertion criteria provided. Collection method: clinical testing. Allele origin: germline. Affected: yes. Observed: 1 variant allele. Not counted in ClinVar's aggregate classification.
Comment: The variant ENG:c.-127C>T p.?, located in the 5' UTR region of the ENG gene results from a cytosine-to-thymidine substitution at nucleotide position c.-127. Experimental studies have shown a deleterious effect in protein function (PMID: 21967607, 22192717). The change creates an alternative initiation sequence thus altering normal translation of ENG from its endogenous translation start codon, and leads to the degradation of the altered transcripts. The variant has been described in several publications (PMID: 21967607, 22192717, 32573726, 34872578). Segregation of the variant with the disease has been demonstrated in multiple families across four generations (PMID: 21967607, 22192717). The variant has been classified as (Likely) Pathogenic on ten entries in ClinVar (VCV000407113.39), including multiple individuals with hereditary hemorrhagic telangiectasia. The variant is classified as very rare since it is absent in gnomAD v4.1.0. In summary, the variant is classified as Pathogenic.

Literature cited by the submitters: PubMed 22192717 (cited by 7 submitters); PubMed 21967607 (cited by 7 submitters); PubMed 28989145 (cited by Labcorp Genetics (formerly Invitae), Labcorp and Dasa); PubMed 32300199 (cited by Mayo Clinic Laboratories, Mayo Clinic); PubMed 32573726 (cited by 3 submitters); PubMed 34872578 (cited by 3 submitters); PubMed 36651276 (cited by Mayo Clinic Laboratories, Mayo Clinic).